The following is an entry in ClinVar:

NM_182961.4(SYNE1):c.1913A>G (p.Gln638Arg)

Gene: SYNE1 (spectrin repeat containing nuclear envelope protein 1; minus strand). Cytogenetic location: 6q25.2.
Variant type: single nucleotide variant.
Coding change: c.1913A>G on transcript NM_182961.4 (MANE Select); coding-DNA position 1913, A replaced by G.
Protein change: p.Gln638Arg; replaces glutamine 638 with arginine.
Molecular consequence: missense variant.
Genome position (GRCh38, 1-based): chr6:152,465,277, T>C on the plus strand (A>G on the coding strand, the complement: SYNE1 is on the minus strand). VCF-style: chr6-152465277-T-C. GRCh37 (hg19) VCF-style: chr6-152786412-T-C.
Other names: c.1934A>G, p.Gln645Arg (NM_033071.5); short protein forms Q638R, Q645R.
Identifiers: ClinVar variation 538410 (VCV000538410.8), dbSNP rs1554756030, ClinGen allele CA366126614.

ClinVar aggregate classification (germline): Uncertain significance (1 of 4 stars; one submission).

Conditions:
Autosomal recessive ataxia, Beauce type. Also called: SYNE1-Related Autosomal Recessive Cerebellar Ataxia; Spinocerebellar ataxia, autosomal recessive 8; ATAXIA, RECESSIVE, OF BEAUCE; SYNE1 Deficiency. Identifiers: Orphanet 88644, MedGen C1853116, MONDO:0012549, OMIM 610743.
Emery-Dreifuss muscular dystrophy 4, autosomal dominant (EDMD4). Also called: EMERY-DREIFUSS MUSCULAR DYSTROPHY 4 WITH VARIABLE FEATURES. Identifiers: Orphanet 261, MedGen C2751807, MONDO:0013071, OMIM 612998.

Submission:

Labcorp Genetics (formerly Invitae), Labcorp
Classification: Uncertain significance for Emery-Dreifuss muscular dystrophy 4, autosomal dominant; Autosomal recessive ataxia, Beauce type. Last evaluated: 2022-08-15. Review status: criteria provided, single submitter. Criteria: Invitae Variant Classification Sherloc (09022015). Collection method: clinical testing. Allele origin: germline.
Comment: ClinVar contains an entry for this variant (Variation ID: 538410). In summary, the available evidence is currently insufficient to determine the role of this variant in disease. Therefore, it has been classified as a Variant of Uncertain Significance. Algorithms developed to predict the effect of missense changes on protein structure and function are either unavailable or do not agree on the potential impact of this missense change (SIFT: "Deleterious"; PolyPhen-2: "Benign"; Align-GVGD: "Class C0"). This variant has not been reported in the literature in individuals affected with SYNE1-related conditions. This variant is not present in population databases (gnomAD no frequency). This sequence change replaces glutamine, which is neutral and polar, with arginine, which is basic and polar, at codon 645 of the SYNE1 protein (p.Gln645Arg).